The following is an entry in ClinVar:

ClinVar aggregate classification (germline): Pathogenic (1 of 4 stars; one submission).

Conditions:
Multiple congenital exostosis (EXT). Also called: Hereditary multiple osteochondromas; Hereditary multiple exostoses; Hereditary multiple exostosis; Multiple exostoses; MULTIPLE CARTILAGINOUS EXOSTOSES; Multiple osteochondromas. Identifiers: Orphanet 321, MedGen C0015306, MONDO:0005508, HP:0002762.

Submission:

Labcorp Genetics (formerly Invitae), Labcorp
Classification: Pathogenic for Multiple congenital exostosis. Last evaluated: 2024-06-19. Review status: criteria provided, single submitter. Criteria: Invitae Variant Classification Sherloc (09022015). Collection method: clinical testing. Allele origin: germline.
Comment: This sequence change creates a premature translational stop signal (p.Leu259Glnfs*29) in the EXT1 gene. It is expected to result in an absent or disrupted protein product. Loss-of-function variants in EXT1 are known to be pathogenic (PMID: 10679937, 11391482, 19810120). This variant is not present in population databases (gnomAD no frequency). This premature translational stop signal has been observed in individual(s) with multiple osteochondromas (PMID: 29529714). This variant is also known as c.774_775delCT (p.Pro258Profs*29). For these reasons, this variant has been classified as Pathogenic.

Literature cited by the submitters: PubMed 10679937; PubMed 11391482; PubMed 19810120; PubMed 29529714.

NM_000127.3(EXT1):c.776_777del (p.Leu259fs)

Gene: EXT1 (exostosin glycosyltransferase 1; minus strand). Cytogenetic location: 8q24.11.
Variant type: Microsatellite.
Coding change: c.776_777del on transcript NM_000127.3 (MANE Select); coding-DNA positions 776 to 777, 2 bases deleted (TC; older notation c.776_777delTC).
Protein change: p.Leu259fs; shifts the reading frame from leucine 259.
Molecular consequence: frameshift variant.
Genome position (GRCh38, 1-based): chr8:118,110,270-118,110,271, GA deleted on the plus strand (TC on the coding strand, the reverse complement: EXT1 is on the minus strand); deleting any 2 consecutive bases within chr8:118,110,270-118,110,274 gives the same sequence; the c. name uses the placement nearest the transcript's 3' end. VCF-style (leftmost placement, unchanged base first): chr8-118110269-TGA-T. GRCh37 (hg19) VCF-style: chr8-119122508-TGA-T.
Other names: short protein forms L259fs.
Identifiers: ClinVar variation 3704397 (VCV003704397.2).